The following is an entry in ClinVar:

ClinVar aggregate classification (germline): Uncertain significance (1 of 4 stars; one submission).

Conditions:
Dopa-responsive dystonia due to sepiapterin reductase deficiency. Also called: DYT-SPR; Sepiapterin reductase deficiency; SPR DEFICIENCY. Identifiers: Orphanet 70594, MedGen C0268468, MONDO:0012994, OMIM 612716.

Allele frequency attached by ClinVar (database versions not stated): gnomAD 0.00001; TOPMed 0.00001.
gnomAD v4.1: 7 of 1,507,290 alleles (0.00046%); highest among the groups gnomAD compares: Middle Eastern, 0.023%; no homozygotes.

Submission:

Neuberg Centre For Genomic Medicine, NCGM
Classification: Uncertain significance for Dopa-responsive dystonia due to sepiapterin reductase deficiency. Review status: criteria provided, single submitter. Criteria: ACMG Guidelines, 2015. Collection method: clinical testing. Allele origin: germline. Inheritance: Autosomal recessive inheritance. Affected: yes.
Comment: The missense variant c.40G>C (p.Gly14Arg) in SPR gene has not been reported previously as a pathogenic variant nor as a benign variant, to our knowledge. The p.Gly14Arg variant is novel (not in any individuals) in gnomAD Exomes and 1000 Genomes.The amino acid Gly at position 14 is changed to a Arg changing protein sequence and it might alter its composition and physico-chemical properties. The variant is predicted to be damaging by both SIFT and PolyPhen2. The residue is conserved across species. The amino acid change p.Gly14Arg in SPR is predicted as conserved by GERP++ and PhyloP across 100 vertebrates. For these reasons, this variant has been classified as Uncertain Significance .

NM_003124.5(SPR):c.40G>C (p.Gly14Arg)

Genes: SPR (sepiapterin reductase; plus strand), LOC129934069 (ATAC-STARR-seq lymphoblastoid silent region 11626; plus strand). Cytogenetic location: 2p13.2.
Variant type: single nucleotide variant.
Coding change: c.40G>C on transcript NM_003124.5 (MANE Select); coding-DNA position 40, G replaced by C.
Protein change: p.Gly14Arg; replaces glycine 14 with arginine.
Molecular consequence: missense variant.
Genome position (GRCh38, 1-based): chr2:72,887,472, G>C. VCF-style: chr2-72887472-G-C. GRCh37 (hg19) VCF-style: chr2-73114601-G-C.
Other names: short protein forms G14R.
Identifiers: ClinVar variation 2585437 (VCV002585437.1), dbSNP rs1670556657, ClinGen allele CA347230403.